The following is an entry in ClinVar:

NM_007294.4(BRCA1):c.1865C>G (p.Ala622Gly)

Gene: BRCA1 (BRCA1 DNA repair associated; minus strand). Cytogenetic location: 17q21.31.
Variant type: single nucleotide variant.
Coding change: c.1865C>G on transcript NM_007294.4 (MANE Select); coding-DNA position 1865, C replaced by G.
Protein change: p.Ala622Gly; replaces alanine 622 with glycine.
Molecular consequence: missense variant. On other transcripts: intron variant (137).
Genome position (GRCh38, 1-based): chr17:43,093,666, G>C on the plus strand (C>G on the coding strand, the complement: BRCA1 is on the minus strand). VCF-style: chr17-43093666-G-C. GRCh37 (hg19) VCF-style: chr17-41245683-G-C.
Other names: c.283+1078C>G (NM_001408512.1); c.406+1078C>G (NM_001408510.1); c.643+1078C>G (NM_001408470.1, NM_001408464.1, NM_001408468.1 and 3 more transcripts); c.646+1078C>G (NM_001408469.1, NM_001408453.1, NM_001408461.1 and 11 more transcripts); c.784+1078C>G (NM_001408397.1, NM_001408401.1, NM_001408396.1 and 13 more transcripts); c.664+1078C>G (NM_001408436.1, NM_001408438.1, NM_001408430.1 and 12 more transcripts); c.787+1078C>G (NM_001407980.1, NM_001407993.1, NM_001407976.1 and 19 more transcripts); c.652+1078C>G (NM_001408451.1); and 40 more; short protein forms A575G, A622G, A494G, A495G, A510G, A551G, A574G, A581G.
Identifiers: ClinVar variation 661225 (VCV000661225.17), dbSNP rs56039126, ClinGen allele CA10598286.

ClinVar aggregate classification (germline): Conflicting classifications of pathogenicity. Review status: criteria provided, conflicting classifications (1 of 4 stars). 4 submissions from 4 submitters: Uncertain significance (3); Likely benign (1). Last evaluated 2025-05-07.

Conditions:
Hereditary breast ovarian cancer syndrome. Also called: Hereditary breast and ovarian cancer syndrome (HBOC); Hereditary breast and ovarian cancer syndrome; Breast and ovarian cancer; Hereditary breast and ovarian cancer; Hereditary breast and/or ovarian cancer syndrome; BRCA1- and BRCA2-Associated Hereditary Breast and Ovarian Cancer. Identifiers: Orphanet 145, MedGen C0677776, MeSH D061325, MONDO:0003582. Disease mechanism: loss of function.
Hereditary cancer-predisposing syndrome. Also called: Neoplastic Syndromes, Hereditary; Tumor predisposition; Hereditary neoplastic syndrome; Hereditary Cancer Syndrome. Identifiers: Orphanet 140162, MedGen C0027672, MeSH D009386, MONDO:0015356.

Allele frequency attached by ClinVar (database versions not stated): TOPMed 0.00001.

Submissions (4):

Ambry Genetics
Classification: Uncertain significance for Hereditary cancer-predisposing syndrome. Last evaluated: 2025-05-07. Review status: criteria provided, single submitter. Criteria: Ambry Variant Classification Scheme 2023. Collection method: clinical testing. Allele origin: germline.
Comment: The p.A622G variant (also known as c.1865C>G), located in coding exon 9 of the BRCA1 gene, results from a C to G substitution at nucleotide position 1865. The alanine at codon 622 is replaced by glycine, an amino acid with similar properties. In one study, this alteration was identified in 1/899 epithelial ovarian cancer patients (Cunningham JM et al. Sci Rep, 2014 Feb;4:4026). Another study identified this alteration in 1/439 Australian triple negative patients and 0/335 Polish triple negative breast cancer patients (Wong-Brown MW et al. Breast Cancer Res Treat, 2015 Feb;150:71-80). This amino acid position is not well conserved in available vertebrate species. In addition, the in silico prediction for this alteration is inconclusive. Since supporting evidence is limited at this time, the clinical significance of this alteration remains unclear.

Women's Health and Genetics/Laboratory Corporation of America, LabCorp
Classification: Uncertain significance. Last evaluated: 2025-01-23. Review status: criteria provided, single submitter. Criteria: LabCorp Variant Classification Summary - May 2015. Collection method: clinical testing. Allele origin: germline.

Labcorp Genetics (formerly Invitae), Labcorp
Classification: Uncertain significance for Hereditary breast ovarian cancer syndrome. Last evaluated: 2024-12-11. Review status: criteria provided, single submitter. Criteria: Invitae Variant Classification Sherloc (09022015). Collection method: clinical testing. Allele origin: germline.
Comment: This sequence change replaces alanine, which is neutral and non-polar, with glycine, which is neutral and non-polar, at codon 622 of the BRCA1 protein (p.Ala622Gly). This variant is not present in population databases (gnomAD no frequency). This variant has not been reported in the literature in individuals affected with BRCA1-related conditions. ClinVar contains an entry for this variant (Variation ID: 661225). Invitae Evidence Modeling of protein sequence and biophysical properties (such as structural, functional, and spatial information, amino acid conservation, physicochemical variation, residue mobility, and thermodynamic stability) indicates that this missense variant is expected to disrupt BRCA1 protein function with a positive predictive value of 80%. In summary, the available evidence is currently insufficient to determine the role of this variant in disease. Therefore, it has been classified as a Variant of Uncertain Significance.

University of Washington Department of Laboratory Medicine, University of Washington
Classification: Likely benign for Hereditary cancer-predisposing syndrome. Last evaluated: 2023-03-23. Review status: criteria provided, single submitter. Criteria: Dines et al. (Genet Med. 2020). Collection method: curation. Allele origin: germline.
Comment: Missense variant in a coldspot region where missense variants are very unlikely to be pathogenic (PMID:31911673).

BRCA1 coldspot (exon 11 using historical exon numbering). Reclassification based on statistical prior probability

Literature cited by the submitters: PubMed 24504028 (cited by Ambry Genetics); PubMed 25682074 (cited by Ambry Genetics).